The following is an entry in ClinVar:

NM_000419.5(ITGA2B):c.1600+1G>A

Gene: ITGA2B (integrin subunit alpha 2b; minus strand). Cytogenetic location: 17q21.31.
Variant type: single nucleotide variant.
Coding change: c.1600+1G>A on transcript NM_000419.5 (MANE Select); the canonical splice donor site of the intron after coding-DNA position 1600, G replaced by A.
Molecular consequence: splice donor variant.
Genome position (GRCh38, 1-based): chr17:44,380,245, C>T on the plus strand (G>A on the coding strand, the complement: ITGA2B is on the minus strand). VCF-style: chr17-44380245-C-T. GRCh37 (hg19) VCF-style: chr17-42457613-C-T.
Other names: NM_000419.5:c.1600+1G>A.
Identifiers: ClinVar variation 1879063 (VCV001879063.1), dbSNP rs1389409325, ClinGen allele CA399802454.
Genomic context (GRCh38, chr17:44,380,245, plus strand): 5'-CCTGGCCAGCCTCCGGGGGAGTCCAAGCCCACCTCCCTCCTGCCCCCTTCATGCCACTCA[C>T]ATAGCTTCTGAGGAATGTTGTGCCCAGTGGCTCCAACACACATCTGGATGTTGAAGCTGC-3'

ClinVar aggregate classification (germline): Pathogenic (3 of 4 stars; one submission).

Conditions:
Glanzmann thrombasthenia. Also called: PLATELET GLYCOPROTEIN IIb-IIIa DEFICIENCY; BLEEDING DISORDER, PLATELET-TYPE, 2; THROMBASTHENIA OF GLANZMANN AND NAEGELI; Thrombasthenia; Glanzmann's thrombasthenia. Identifiers: Orphanet 849, MedGen C0040015, MONDO:0100326.

Allele frequency attached by ClinVar (database versions not stated): gnomAD exomes below 0.00001; gnomAD 0.00001; TOPMed 0.00001.
gnomAD v4.1: 2 of 1,614,096 alleles (0.00012%); highest among the groups gnomAD compares: Non-Finnish European, 0.00017%; no homozygotes.

Submission:

ClinGen Platelet Disorders Variant Curation Expert Panel, ClinGen
Classification: Pathogenic for Glanzmann thrombasthenia. Last evaluated: 2022-12-01. Review status: reviewed by expert panel. Criteria: ClinGen Platelet ACMG Specifications v2-1. Collection method: curation. Allele origin: germline. Inheritance: Autosomal recessive inheritance.
Comment: The c.1600+1G>A variant in ITGA2B occurs within the canonical splice donor site of intron 16. It is predicted to cause skipping of biologically-relevant-exon 16, resulting in a frameshift with a premature stop codon in exon 18, leading to nonsense mediated decay in a gene in which loss-of-function is an established disease mechanism (PVS1). This prediction is supported by a SpliceAI Donor Loss score of 0.98. At least two patients (Patients 11 and 12 in PMID: 19172520) with this variant displayed mucocutaneous bleeding and impaired aggregation with all agonists except ristocetin, which is highly specific for Glanzmann thrombasthenia. Additionally, αIIbβ3 surface expression was reduced to <10% (from GT database), as measured by flow cytometry. However, ITGA2B and ITGB3 were not reported to be sequenced across all exons and intron/exon boundaries. (PP4_moderate). This variant has been reported to segregate with Glanzmann thrombasthenia (confirmed by bleeding phenotype and platelet aggregometry) in the proband plus one affected family member, both with the homozygous genotype with the NM_000419.5(ITGA2B):c.1600+1G>A variant. (PP1; PMID: 19172520). This variant has been detected in the homozygous state in at least 2 probands with Glanzmann thrombasthenia. However, these two individuals are related (PMID: 19172520) and only one affected individual per family can be counted towards PM3. Total points: 0.5 (PM3_Supporting). This variant is also absent from gnomAD v2.1.1 (PM2_Supporting). This variant is not registered in ClinVar. In summary, this variant meets the criteria to be classified as pathogenic for autosomal recessive Glanzmann Thrombasthenia based on the ACMG/AMP criteria applied, as specified by the ClinGen PD VCEP: PVS1, PP4_Moderate, PP1, PM3_Supporting and PM2_Supporting (VCEP specifications version 2).